The following is an entry in ClinVar:

ClinVar aggregate classification (germline): Likely benign (1 of 4 stars; one submission).

gnomAD v4.1: 248 of 1,595,030 alleles (0.016%); highest among the groups gnomAD compares: Middle Eastern, 0.25%; 2 homozygotes.

Submission:

CeGaT Center for Human Genetics Tuebingen
Classification: Likely benign. Last evaluated: 2025-04-01. Review status: criteria provided, single submitter. Criteria: CeGaT Center For Human Genetics Tuebingen Variant Classification Criteria Version 2. Collection method: clinical testing. Allele origin: germline. Affected: yes. Observed: 1 variant allele.
Comment: LCP2: BP4

NM_005565.5(LCP2):c.957+8C>T

Gene: LCP2 (lymphocyte cytosolic protein 2; minus strand). Cytogenetic location: 5q35.1.
Variant type: single nucleotide variant.
Coding change: c.957+8C>T on transcript NM_005565.5 (MANE Select); 8 bases into the intron after coding-DNA position 957, C replaced by T.
Molecular consequence: intron variant.
Genome position (GRCh38, 1-based): chr5:170,261,099, G>A on the plus strand (C>T on the coding strand, the complement: LCP2 is on the minus strand). VCF-style: chr5-170261099-G-A. GRCh37 (hg19) VCF-style: chr5-169688103-G-A.
Identifiers: ClinVar variation 3905092 (VCV003905092.10).